The following is an entry in ClinVar:

NM_001365480.1(CCDC88A):c.1813A>G (p.Lys605Glu)

Gene: CCDC88A (coiled-coil and HOOK domain protein 88A; minus strand). Cytogenetic location: 2p16.1.
Variant type: single nucleotide variant.
Coding change: c.1813A>G on transcript NM_001365480.1 (MANE Select); coding-DNA position 1813, A replaced by G.
Protein change: p.Lys605Glu; replaces lysine 605 with glutamic acid.
Molecular consequence: missense variant.
Genome position (GRCh38, 1-based): chr2:55,335,008, T>C on the plus strand (A>G on the coding strand, the complement: CCDC88A is on the minus strand). VCF-style: chr2-55335008-T-C. GRCh37 (hg19) VCF-style: chr2-55562144-T-C.
Other names: c.1813A>G, p.Lys605Glu (NM_001135597.2, NM_001254943.2, NM_018084.5); short protein forms K605E.
Identifiers: ClinVar variation 1716059 (VCV001716059.5), dbSNP rs754163389, ClinGen allele CA1666069.

ClinVar aggregate classification (germline): Uncertain significance (1 of 4 stars; one submission).

gnomAD v4.1: 1 of 1,607,788 alleles (0.000062%); no homozygotes.

Submission:

Labcorp Genetics (formerly Invitae), Labcorp
Classification: Uncertain significance. Last evaluated: 2022-08-10. Review status: criteria provided, single submitter. Criteria: Invitae Variant Classification Sherloc (09022015). Collection method: clinical testing. Allele origin: germline.
Comment: In summary, the available evidence is currently insufficient to determine the role of this variant in disease. Therefore, it has been classified as a Variant of Uncertain Significance. Algorithms developed to predict the effect of missense changes on protein structure and function are either unavailable or do not agree on the potential impact of this missense change (SIFT: "Deleterious"; PolyPhen-2: "Probably Damaging"; Align-GVGD: "Class C0"). This variant has not been reported in the literature in individuals affected with CCDC88A-related conditions. This variant is not present in population databases (gnomAD no frequency). This sequence change replaces lysine, which is basic and polar, with glutamic acid, which is acidic and polar, at codon 605 of the CCDC88A protein (p.Lys605Glu).